The following is an entry in ClinVar:

ClinVar aggregate classification (germline): Benign. Review status: criteria provided, multiple submitters, no conflicts (2 of 4 stars). 2 submissions from 2 submitters: Benign (2). Last evaluated 2018-01-12.

Conditions:
Autosomal recessive proximal renal tubular acidosis (PRTAO). Also called: RTA, PROXIMAL, AUTOSOMAL RECESSIVE; RENAL TUBULAR ACIDOSIS, PROXIMAL, WITH OCULAR ABNORMALITIES AND MENTAL RETARDATION; RENAL TUBULAR ACIDOSIS, PROXIMAL, WITH OCULAR ABNORMALITIES AND IMPAIRED INTELLECTUAL DEVELOPMENT; PROXIMAL RENAL TUBULAR ACIDOSIS-OCULAR ANOMALY SYNDROME. Identifiers: Orphanet 93607, MedGen C1970309, MONDO:0011422, OMIM 604278.

Allele frequency attached by ClinVar (database versions not stated): gnomAD exomes 0.18224; gnomAD 0.22831; TOPMed 0.26244; 1000 Genomes Project 0.28794; 1000 Genomes Project 30x 0.28919.
gnomAD v4.1: 37,279 of 151,800 alleles (25%); highest among the groups gnomAD compares: Admixed American, 37%; 4,884 homozygotes.

Submissions (2):

Illumina Laboratory Services, Illumina
Classification: Benign for Autosomal recessive proximal renal tubular acidosis. Last evaluated: 2018-01-12. Review status: criteria provided, single submitter. Criteria: ICSL Variant Classification Criteria 13 December 2019. Collection method: clinical testing. Allele origin: germline.
Comment: This variant was observed in the ICSL laboratory as part of a predisposition screen in an ostensibly healthy population. It had not been previously curated by ICSL or reported in the Human Gene Mutation Database (HGMD: prior to June 1st, 2018), and was therefore a candidate for classification through an automated scoring system. Utilizing variant allele frequency, disease prevalence and penetrance estimates, and inheritance mode, an automated score was calculated to assess if this variant is too frequent to cause the disease. Based on the score and internal cut-off values, a variant classified as benign is not then subjected to further curation. The score for this variant resulted in a classification of benign for this disease.

Breakthrough Genomics
Classification: Benign. Review status: criteria provided, single submitter. Criteria: ACMG Guidelines, 2015. Collection method: not provided. Allele origin: germline. Inheritance: Autosomal recessive inheritance. Affected: yes.

NM_001098484.3(SLC4A4):c.*938G>C

Gene: SLC4A4 (solute carrier family 4 member 4; plus strand). Cytogenetic location: 4q13.3.
Variant type: single nucleotide variant.
Coding change: c.*938G>C on transcript NM_001098484.3 (MANE Select); 938 bases downstream of the stop codon, G replaced by C.
Molecular consequence: 3 prime UTR variant.
Genome position (GRCh38, 1-based): chr4:71,568,689, G>C. VCF-style: chr4-71568689-G-C. GRCh37 (hg19) VCF-style: chr4-72434406-G-C.
Other names: c.*796G>C (NM_001134742.2); c.*938G>C (NM_003759.4).
Identifiers: ClinVar variation 349571 (VCV000349571.6), dbSNP rs1062679, ClinGen allele CA10621678.